The following is an entry in ClinVar:

ClinVar aggregate classification (germline): Uncertain significance (1 of 4 stars; one submission).

gnomAD v4.1: 1 of 1,614,116 alleles (0.000062%); highest among the groups gnomAD compares: Non-Finnish European, 0.000085%; no homozygotes.

Submission:

Ambry Genetics
Classification: Uncertain significance. Last evaluated: 2024-08-21. Review status: criteria provided, single submitter. Criteria: Ambry Variant Classification Scheme 2023. Collection method: clinical testing. Allele origin: germline.
Comment: The p.S1587F variant (also known as c.4760C>T), located in coding exon 42 of the KIF1B gene, results from a C to T substitution at nucleotide position 4760. The serine at codon 1587 is replaced by phenylalanine, an amino acid with highly dissimilar properties. This amino acid position is conserved. In addition, this alteration is predicted to be tolerated by in silico analysis. Based on the available evidence, the clinical significance of this variant remains unclear.

NM_001365951.3(KIF1B):c.4898C>T (p.Ser1633Phe)

Gene: KIF1B (kinesin family member 1B; plus strand). Cytogenetic location: 1p36.22.
Variant type: single nucleotide variant.
Coding change: c.4898C>T on transcript NM_001365951.3 (MANE Select); coding-DNA position 4898, C replaced by T.
Protein change: p.Ser1633Phe; replaces serine 1633 with phenylalanine.
Molecular consequence: missense variant.
Genome position (GRCh38, 1-based): chr1:10,371,214, C>T. VCF-style: chr1-10371214-C-T. GRCh37 (hg19) VCF-style: chr1-10431272-C-T.
Other names: c.4898C>T, p.Ser1633Phe (NM_001365952.1); c.4760C>T, p.Ser1587Phe (NM_015074.3); short protein forms S1587F, S1633F.
Identifiers: ClinVar variation 3533984 (VCV003533984.1).